The following is an entry in ClinVar:

ClinVar aggregate classification (germline): Likely pathogenic (1 of 4 stars; one submission).

Conditions:
Tubulinopathy. Also called: Tubulinopathies. Identifiers: MedGen CN850169, MONDO:0100153.

Submission:

Institute of Human Genetics, FAU Erlangen, Friedrich-Alexander-Universität Erlangen-Nürnberg
Classification: Likely pathogenic for Tubulinopathies. Last evaluated: 2018-07-01. Review status: criteria provided, single submitter. Criteria: ACMG Guidelines, 2015. Collection method: literature only. Allele origin: de novo. Affected: yes. Observed: 1 variant allele.
Comment: The c.712A>G, p.(Ile238Val) variant has been reported as a variant of de novo origin. This variant and associated phenotype was previously reported by Fallet-Bianco et al. Brain, 2008 PMID: 18669490. Agyria (HP:0031882); Dysgenesis of the cerebellar vermis (HP:0002195); Hypoplasia of the pons (HP:0012110); Cerebellar hypoplasia (HP:0001321); Dysgenesis of the hippocampus (HP:0025101); Dilation of lateral ventricles (HP:0006956); Gray matter heterotopia (HP:0002281).

Literature cited by the submitters: PubMed 30744660; DOI 10.1101/427948.

NM_006009.4(TUBA1A):c.712A>G (p.Ile238Val)

Gene: TUBA1A (tubulin alpha 1a; minus strand). Cytogenetic location: 12q13.12.
Variant type: single nucleotide variant.
Coding change: c.712A>G on transcript NM_006009.4 (MANE Select); coding-DNA position 712, A replaced by G.
Protein change: p.Ile238Val; replaces isoleucine 238 with valine.
Molecular consequence: missense variant.
Genome position (GRCh38, 1-based): chr12:49,185,654, T>C on the plus strand (A>G on the coding strand, the complement: TUBA1A is on the minus strand). VCF-style: chr12-49185654-T-C. GRCh37 (hg19) VCF-style: chr12-49579437-T-C.
Other names: c.712A>G, p.Ile238Val (NM_001270399.2); c.607A>G, p.Ile203Val (NM_001270400.2); short protein forms I238V, I203V.
Identifiers: ClinVar variation 625484 (VCV000625484.2), dbSNP rs1565627184, ClinGen allele CA384640457.
Genomic context (GRCh38, chr12:49,185,654, plus strand): 5'-TGGTCTGGAATTCTGTCAGGTCAACATTCAGGGCTCCATCAAATCTCAGGGAAGCAGTGA[T>C]GGAGGACACAATTTGACCTATTAACCTATTCAGGTTAGTATAGGTTGGACGCTCAATATC-3'
Protein context (NP_006000.2, residues 228-248): NRLIGQIVSS[Ile238Val]TASLRFDGAL